The following is an entry in ClinVar:

NM_006744.4(RBP4):c.376G>A (p.Asp126Asn)

Gene: RBP4 (retinol binding protein 4; minus strand). Cytogenetic location: 10q23.33.
Variant type: single nucleotide variant.
Coding change: c.376G>A on transcript NM_006744.4 (MANE Select); coding-DNA position 376, G replaced by A.
Protein change: p.Asp126Asn; replaces aspartic acid 126 with asparagine.
Molecular consequence: missense variant.
Genome position (GRCh38, 1-based): chr10:93,594,015, C>T on the plus strand (G>A on the coding strand, the complement: RBP4 is on the minus strand). VCF-style: chr10-93594015-C-T. GRCh37 (hg19) VCF-style: chr10-95353772-C-T.
Other names: c.370G>A, p.Asp124Asn (NM_001323518.2); c.376G>A, p.Asp126Asn (NM_001323517.1); short protein forms D124N, D126N.
Identifiers: ClinVar variation 2983187 (VCV002983187.3), dbSNP rs752204198, ClinGen allele CA5609570.
Genomic context (GRCh38, chr10:93,594,015, plus strand): 5'-TGCCATCGAGGTTCAGGAGGCGGCAGGAGTACTGCACGGCATACGTGTCGTAGTCTGTGT[C>T]GACGATCCAGTGGTCATCATCTGCAAGCCAGAAAGCCACCATGCCGATCAATGCCTTTCC-3'
Protein context (NP_006735.2, residues 116-136): QKGNDDHWIV[Asp126Asn]TDYDTYAVQY

ClinVar aggregate classification (germline): Uncertain significance (1 of 4 stars; one submission).

Allele frequency attached by ClinVar (database versions not stated): ExAC 0.00002.
gnomAD v4.1: 8 of 1,613,608 alleles (0.0005%); highest among the groups gnomAD compares: South Asian, 0.0011%; no homozygotes.

Submission:

Labcorp Genetics (formerly Invitae), Labcorp
Classification: Uncertain significance. Last evaluated: 2025-01-27. Review status: criteria provided, single submitter. Criteria: Invitae Variant Classification Sherloc (09022015). Collection method: clinical testing. Allele origin: germline.
Comment: This sequence change replaces aspartic acid, which is acidic and polar, with asparagine, which is neutral and polar, at codon 126 of the RBP4 protein (p.Asp126Asn). This variant is present in population databases (rs752204198, gnomAD 0.003%). This variant has not been reported in the literature in individuals affected with RBP4-related conditions. ClinVar contains an entry for this variant (Variation ID: 2983187). An algorithm developed to predict the effect of missense changes on protein structure and function (PolyPhen-2) suggests that this variant is likely to be disruptive. In summary, the available evidence is currently insufficient to determine the role of this variant in disease. Therefore, it has been classified as a Variant of Uncertain Significance.